The following is an entry in ClinVar:

ClinVar aggregate classification (germline): Uncertain significance. Review status: criteria provided, multiple submitters, no conflicts (2 of 4 stars). 2 submissions from 2 submitters: Uncertain significance (2). Last evaluated 2023-12-07.

Allele frequency attached by ClinVar (database versions not stated): gnomAD 0.00001; gnomAD exomes 0.00001; TOPMed 0.00001; ExAC 0.00002; 1000 Genomes Project 30x 0.00016; 1000 Genomes Project 0.00020.
gnomAD v4.1: 5 of 1,613,470 alleles (0.00031%); highest among the groups gnomAD compares: Admixed American, 0.0083%; no homozygotes.

Submissions (2):

Labcorp Genetics (formerly Invitae), Labcorp
Classification: Uncertain significance. Last evaluated: 2023-12-07. Review status: criteria provided, single submitter. Criteria: Invitae Variant Classification Sherloc (09022015). Collection method: clinical testing. Allele origin: germline.
Comment: This sequence change replaces threonine, which is neutral and polar, with serine, which is neutral and polar, at codon 106 of the DSG1 protein (p.Thr106Ser). This variant is present in population databases (rs573281660, gnomAD 0.009%). This variant has not been reported in the literature in individuals affected with DSG1-related conditions. ClinVar contains an entry for this variant (Variation ID: 2082809). Advanced modeling of protein sequence and biophysical properties (such as structural, functional, and spatial information, amino acid conservation, physicochemical variation, residue mobility, and thermodynamic stability) performed at Invitae indicates that this missense variant is not expected to disrupt DSG1 protein function with a negative predictive value of 80%. In summary, the available evidence is currently insufficient to determine the role of this variant in disease. Therefore, it has been classified as a Variant of Uncertain Significance.

Breakthrough Genomics
Classification: Uncertain significance. Review status: criteria provided, single submitter. Criteria: ACMG Guidelines, 2015. Collection method: not provided. Allele origin: germline. Inheritance: Autosomal recessive inheritance. Affected: yes.

NM_001942.4(DSG1):c.317C>G (p.Thr106Ser)

Gene: DSG1 (desmoglein 1; plus strand). Cytogenetic location: 18q12.1.
Variant type: single nucleotide variant.
Coding change: c.317C>G on transcript NM_001942.4 (MANE Select); coding-DNA position 317, C replaced by G.
Protein change: p.Thr106Ser; replaces threonine 106 with serine.
Molecular consequence: missense variant.
Genome position (GRCh38, 1-based): chr18:31,328,289, C>G. VCF-style: chr18-31328289-C-G. GRCh37 (hg19) VCF-style: chr18-28908252-C-G.
Other names: short protein forms T106S.
Identifiers: ClinVar variation 2082809 (VCV002082809.5), dbSNP rs573281660, ClinGen allele CA8925813.
Genomic context (GRCh38, chr18:31,328,289, plus strand): 5'-GCATCTCTGGAGTAGGAATTGATCAGCCACCATATGGGATCTTTGTCATTAATCAGAAAA[C>G]TGGTGAAATTAATATAACATCCATAGTTGATCGAGAGGTCACTCCTTTCTTCATTGTAAG-3'
Protein context (NP_001933.2, residues 96-116): PYGIFVINQK[Thr106Ser]GEINITSIVD